The following is an entry in ClinVar:

ClinVar aggregate classification (germline): Likely benign (0 of 4 stars; one submission).

Conditions:
THSD1-related disorder. Also called: THSD1-related condition.

Allele frequency attached by ClinVar (database versions not stated): gnomAD exomes 0.00004; ExAC 0.00007; gnomAD 0.00029; TOPMed 0.00034; ESP Exome Variant Server 0.00038; 1000 Genomes Project 0.00080; 1000 Genomes Project 30x 0.00094.

Submission:

PreventionGenetics, part of Exact Sciences
Classification: Likely benign for THSD1-related condition. Last evaluated: 2019-06-26. Review status: no assertion criteria provided. Collection method: clinical testing. Allele origin: germline.
Comment: This variant is classified as likely benign based on ACMG/AMP sequence variant interpretation guidelines (Richards et al. 2015 PMID: 25741868, with internal and published modifications).

NM_018676.4(THSD1):c.1791C>T (p.Val597=)

Gene: THSD1 (thrombospondin type 1 domain containing 1; minus strand). Cytogenetic location: 13q14.3.
Variant type: single nucleotide variant.
Coding change: c.1791C>T on transcript NM_018676.4 (MANE Select); coding-DNA position 1791, C replaced by T.
Protein change: p.Val597=; no amino-acid change (valine 597 retained).
Molecular consequence: synonymous variant.
Genome position (GRCh38, 1-based): chr13:52,378,179, G>A on the plus strand (C>T on the coding strand, the complement: THSD1 is on the minus strand). VCF-style: chr13-52378179-G-A. GRCh37 (hg19) VCF-style: chr13-52952314-G-A.
Other names: c.1632C>T, p.Val544= (NM_199263.3).
Identifiers: ClinVar variation 3042486 (VCV003042486.2), dbSNP rs150754705, ClinGen allele CA6991917.
Genomic context (GRCh38, chr13:52,378,179, plus strand): 5'-GGCACAACTGGCCTGAGTCACATTTAGATCCAGCCTGGAGGGAGGCCTTTCCCCGGCACT[G>A]ACCGCGGGCTGCTCCGGAAATGGGGATTTGATCCGGAACTTGTTTGCTGCAGCTTCTTCC-3'
Protein context (NP_061146.1, residues 587-607): IKSPFPEQPA[Val597=]SAGERPPSRL